The following is an entry in ClinVar:

NM_015346.4(ZFYVE26):c.3523+2T>C

Gene: ZFYVE26 (zinc finger FYVE-type containing 26; minus strand). Cytogenetic location: 14q24.1.
Variant type: single nucleotide variant.
Coding change: c.3523+2T>C on transcript NM_015346.4 (MANE Select); the canonical splice donor site of the intron after coding-DNA position 3523, T replaced by C.
Molecular consequence: splice donor variant.
Genome position (GRCh38, 1-based): chr14:67,785,057, A>G on the plus strand (T>C on the coding strand, the complement: ZFYVE26 is on the minus strand). VCF-style: chr14-67785057-A-G. GRCh37 (hg19) VCF-style: chr14-68251774-A-G.
Identifiers: ClinVar variation 2760260 (VCV002760260.3), dbSNP rs2502813251, ClinGen allele CA390172048.

ClinVar aggregate classification (germline): Likely pathogenic (1 of 4 stars; one submission).

Conditions:
Spastic paraplegia. Identifiers: MedGen C0037772, HP:0001258.

Submission:

Labcorp Genetics (formerly Invitae), Labcorp
Classification: Likely pathogenic for Spastic paraplegia. Last evaluated: 2023-09-22. Review status: criteria provided, single submitter. Criteria: Invitae Variant Classification Sherloc (09022015). Collection method: clinical testing. Allele origin: germline.
Comment: This sequence change affects a donor splice site in intron 19 of the ZFYVE26 gene. It is expected to disrupt RNA splicing. Variants that disrupt the donor or acceptor splice site typically lead to a loss of protein function (PMID: 16199547), and loss-of-function variants in ZFYVE26 are known to be pathogenic (PMID: 18394578, 19805727). This variant is not present in population databases (gnomAD no frequency). This variant has not been reported in the literature in individuals affected with ZFYVE26-related conditions. In summary, the currently available evidence indicates that the variant is pathogenic, but additional data are needed to prove that conclusively. Therefore, this variant has been classified as Likely Pathogenic. Algorithms developed to predict the effect of sequence changes on RNA splicing suggest that this variant may disrupt the consensus splice site.

Literature cited by the submitters: PubMed 16199547; PubMed 18394578; PubMed 19805727.